The following is an entry in ClinVar:

ClinVar aggregate classification (germline): Uncertain significance (1 of 4 stars; one submission).

Allele frequency attached by ClinVar (database versions not stated): gnomAD exomes below 0.00001; ExAC 0.00001; gnomAD 0.00001; 1000 Genomes Project 0.00020; 1000 Genomes Project 30x 0.00031.
gnomAD v4.1: 3 of 1,607,708 alleles (0.00019%); highest among the groups gnomAD compares: African/African-American, 0.0013%; no homozygotes.

Submission:

Ambry Genetics
Classification: Uncertain significance. Last evaluated: 2022-10-07. Review status: criteria provided, single submitter. Criteria: Ambry Variant Classification Scheme 2023. Collection method: clinical testing. Allele origin: germline.
Comment: The p.G151S variant (also known as c.451G>A) is located in coding exon 5 of the RASA2 gene. The glycine at codon 151 is replaced by serine, an amino acid with similar properties. This change occurs in the first base pair of coding exon 5. This amino acid position is conserved. In addition, this alteration is predicted to be deleterious by in silico analysis. Since supporting evidence is limited at this time, the clinical significance of this alteration remains unclear.

NM_006506.5(RASA2):c.451G>A (p.Gly151Ser)

Gene: RASA2 (RAS p21 protein activator 2; plus strand). Cytogenetic location: 3q23.
Variant type: single nucleotide variant.
Coding change: c.451G>A on transcript NM_006506.5 (MANE Select); coding-DNA position 451, G replaced by A.
Protein change: p.Gly151Ser; replaces glycine 151 with serine.
Molecular consequence: missense variant.
Genome position (GRCh38, 1-based): chr3:141,540,533, G>A. VCF-style: chr3-141540533-G-A. GRCh37 (hg19) VCF-style: chr3-141259375-G-A.
Other names: c.451G>A, p.Gly151Ser (NM_001303245.3, NM_001303246.3); short protein forms G151S.
Identifiers: ClinVar variation 1741198 (VCV001741198.2), dbSNP rs534223469, ClinGen allele CA2645206.